The following is an entry in ClinVar:

ClinVar aggregate classification (germline): Uncertain significance. Review status: criteria provided, multiple submitters, no conflicts (2 of 4 stars). 2 submissions from 2 submitters: Uncertain significance (2). Last evaluated 2025-02-22.

Conditions:
IFT140-related disorder. Also called: IFT140-related condition.
Saldino-Mainzer syndrome (SRTD9). Also called: SHORT-RIB THORACIC DYSPLASIA 9 WITHOUT POLYDACTYLY; short-rib thoracic dysplasia 9 with or without polydactyly; CONORENAL SYNDROME; Renal dysplasia, retinal pigmentary dystrophy, cerebellar ataxia and skeletal dysplasia. Identifiers: Orphanet 140969, MedGen C1849437, MONDO:0009964, OMIM 266920.

Allele frequency attached by ClinVar (database versions not stated): TOPMed below 0.00001; gnomAD 0.00001.
gnomAD v4.1: 28 of 1,613,906 alleles (0.0017%); highest among the groups gnomAD compares: Non-Finnish European, 0.0022%; no homozygotes.

Submissions (2):

PreventionGenetics, part of Exact Sciences
Classification: Uncertain significance for IFT140-related condition. Last evaluated: 2025-02-22. Review status: criteria provided, single submitter. Criteria: ACMG Guidelines, 2015. Collection method: clinical testing. Allele origin: germline.
Comment: The IFT140 c.1423C>T variant is predicted to result in the amino acid substitution p.Arg475Trp. To our knowledge, this variant has not been reported in the literature or in a large population database (gnomAD), indicating this variant is rare. At this time, the clinical significance of this variant is uncertain due to the absence of conclusive functional and genetic evidence.

Labcorp Genetics (formerly Invitae), Labcorp
Classification: Uncertain significance for Saldino-Mainzer syndrome. Last evaluated: 2021-02-07. Review status: criteria provided, single submitter. Criteria: Invitae Variant Classification Sherloc (09022015). Collection method: clinical testing. Allele origin: germline.
Comment: This variant has not been reported in the literature in individuals with IFT140-related conditions. In summary, the available evidence is currently insufficient to determine the role of this variant in disease. Therefore, it has been classified as a Variant of Uncertain Significance. Algorithms developed to predict the effect of missense changes on protein structure and function are either unavailable or do not agree on the potential impact of this missense change (SIFT: "Deleterious"; PolyPhen-2: "Possibly Damaging"; Align-GVGD: "Class C0"). This variant is not present in population databases (ExAC no frequency). This sequence change replaces arginine with tryptophan at codon 475 of the IFT140 protein (p.Arg475Trp). The arginine residue is moderately conserved and there is a moderate physicochemical difference between arginine and tryptophan.

NM_014714.4(IFT140):c.1423C>T (p.Arg475Trp)

Genes: IFT140 (intraflagellar transport 140; minus strand), LOC105371046 (uncharacterized LOC105371046; plus strand). Cytogenetic location: 16p13.3.
Variant type: single nucleotide variant.
Coding change: c.1423C>T on transcript NM_014714.4 (MANE Select); coding-DNA position 1423, C replaced by T.
Protein change: p.Arg475Trp; replaces arginine 475 with tryptophan.
Molecular consequence: missense variant.
Genome position (GRCh38, 1-based): chr16:1,583,323, G>A on the plus strand (C>T on the coding strand, the complement: IFT140 is on the minus strand). VCF-style: chr16-1583323-G-A. GRCh37 (hg19) VCF-style: chr16-1633324-G-A.
Other names: c.1423C>T (NM_014714.3); short protein forms R475W.
Identifiers: ClinVar variation 1465118 (VCV001465118.7), dbSNP rs771838598, ClinGen allele CA276679739.